The following is an entry in ClinVar:

ClinVar aggregate classification (germline): Conflicting classifications of pathogenicity. Review status: criteria provided, conflicting classifications (1 of 4 stars). 3 submissions from 3 submitters: Uncertain significance (1); Benign (1). 1 of the submissions does not count toward it. Last evaluated 2024-01-10.

Conditions:
Kleefstra syndrome 2 (KLEFS2). Identifiers: MedGen C4540395, MONDO:0054701, OMIM 617768.

Allele frequency attached by ClinVar (database versions not stated): ExAC 0.00002; gnomAD exomes 0.00001; gnomAD 0.00005; ESP Exome Variant Server 0.00015; TOPMed 0.00005.
gnomAD v4.1: 9 of 1,614,154 alleles (0.00056%); highest among the groups gnomAD compares: African/African-American, 0.012%; no homozygotes.

Submissions (3):

Fulgent Genetics
Classification: Uncertain significance for Kleefstra syndrome 2. Last evaluated: 2024-01-10. Review status: criteria provided, single submitter. Criteria: ACMG Guidelines, 2015. Collection method: clinical testing. Allele origin: germline.

Labcorp Genetics (formerly Invitae), Labcorp
Classification: Benign. Last evaluated: 2022-12-06. Review status: criteria provided, single submitter. Criteria: Invitae Variant Classification Sherloc (09022015). Collection method: clinical testing. Allele origin: germline.

ITMI
No classification provided. Condition: AllHighlyPenetrant. Last evaluated: 2013-09-19. Review status: no classification provided. Collection method: reference population. Allele origin: germline. Not counted in ClinVar's aggregate classification.
Comment: Please see associated publication for description of ethnicities

Literature cited by the submitters: PubMed 24728327 (cited by ITMI).

NM_170606.3(KMT2C):c.11173A>C (p.Thr3725Pro)

Gene: KMT2C (lysine methyltransferase 2C; minus strand). Cytogenetic location: 7q36.1.
Variant type: single nucleotide variant.
Coding change: c.11173A>C on transcript NM_170606.3 (MANE Select); coding-DNA position 11173, A replaced by C.
Protein change: p.Thr3725Pro; replaces threonine 3725 with proline.
Molecular consequence: missense variant.
Genome position (GRCh38, 1-based): chr7:152,162,404, T>G on the plus strand (A>C on the coding strand, the complement: KMT2C is on the minus strand). VCF-style: chr7-152162404-T-G. GRCh37 (hg19) VCF-style: chr7-151859489-T-G.
Other names: short protein forms T3725P.
Identifiers: ClinVar variation 134786 (VCV000134786.7), dbSNP rs143269206, ClinGen allele CA160743.